The following is an entry in ClinVar:

ClinVar aggregate classification (germline): Uncertain significance (1 of 4 stars; one submission).

Allele frequency attached by ClinVar (database versions not stated): gnomAD exomes below 0.00001.
gnomAD v4.1: 1 of 1,614,122 alleles (0.000062%); highest among the groups gnomAD compares: Non-Finnish European, 0.000085%; no homozygotes.

Submission:

Labcorp Genetics (formerly Invitae), Labcorp
Classification: Uncertain significance. Last evaluated: 2021-05-27. Review status: criteria provided, single submitter. Criteria: Invitae Variant Classification Sherloc (09022015). Collection method: clinical testing. Allele origin: germline.
Comment: In summary, the available evidence is currently insufficient to determine the role of this variant in disease. Therefore, it has been classified as a Variant of Uncertain Significance. This sequence change falls in intron 9 of the ASXL1 gene. It does not directly change the encoded amino acid sequence of the ASXL1 protein. It affects a nucleotide within the consensus splice site of the intron. This variant is not present in population databases (ExAC no frequency). This variant has not been reported in the literature in individuals with ASXL1-related conditions. Nucleotide substitutions within the consensus splice site are a relatively common cause of aberrant splicing (PMID: 17576681, 9536098). Algorithms developed to predict the effect of sequence changes on RNA splicing suggest that this variant may create or strengthen a splice site, but this prediction has not been confirmed by published transcriptional studies.

Literature cited by the submitters: PubMed 17576681; PubMed 9536098.

NM_015338.6(ASXL1):c.882+3G>A

Gene: ASXL1 (ASXL transcriptional regulator 1; plus strand). Cytogenetic location: 20q11.21.
Variant type: single nucleotide variant.
Coding change: c.882+3G>A on transcript NM_015338.6 (MANE Select); 3 bases into the intron after coding-DNA position 882, G replaced by A.
Molecular consequence: intron variant.
Genome position (GRCh38, 1-based): chr20:32,431,487, G>A. VCF-style: chr20-32431487-G-A. GRCh37 (hg19) VCF-style: chr20-31019290-G-A.
Other names: c.699+3G>A (NM_001363734.1).
Identifiers: ClinVar variation 1353930 (VCV001353930.6), dbSNP rs2123235560, ClinGen allele CA2573156970.
Genomic context (GRCh38, chr20:32,431,487, plus strand): 5'-CTTACCATCACACTTCCAGCAGCAGCTCCTCTTCCTCCTGCCTGAAGTAGACAGACAGGT[G>A]CACATGGGCAGCCTCCCCTTTGCCTCTCTCTGGGTGGGCTTCTGTTCTCTTTTAAGTTTA-3'